The following is an entry in ClinVar:

NM_206933.4(USH2A):c.6257C>T (p.Thr2086Ile)

Gene: USH2A (usherin; minus strand). Cytogenetic location: 1q41.
Variant type: single nucleotide variant.
Coding change: c.6257C>T on transcript NM_206933.4 (MANE Select); coding-DNA position 6257, C replaced by T.
Protein change: p.Thr2086Ile; replaces threonine 2086 with isoleucine.
Molecular consequence: missense variant.
Genome position (GRCh38, 1-based): chr1:216,046,499, G>A on the plus strand (C>T on the coding strand, the complement: USH2A is on the minus strand). VCF-style: chr1-216046499-G-A. GRCh37 (hg19) VCF-style: chr1-216219841-G-A.
Other names: short protein forms T2086I.
Identifiers: ClinVar variation 1953079 (VCV001953079.6), dbSNP rs149202379, ClinGen allele CA344858857.

ClinVar aggregate classification (germline): Uncertain significance. Review status: criteria provided, multiple submitters, no conflicts (2 of 4 stars). 2 submissions from 2 submitters: Uncertain significance (2). Last evaluated 2024-07-22.

gnomAD v4.1: 4 of 1,613,748 alleles (0.00025%); highest among the groups gnomAD compares: Middle Eastern, 0.016%; no homozygotes.

Submissions (2):

Blueprint Genetics
Classification: Uncertain significance. Last evaluated: 2024-07-22. Review status: criteria provided, single submitter. Criteria: ACMG Guidelines, 2015. Collection method: clinical testing. Allele origin: germline.

Labcorp Genetics (formerly Invitae), Labcorp
Classification: Uncertain significance. Last evaluated: 2022-07-23. Review status: criteria provided, single submitter. Criteria: Invitae Variant Classification Sherloc (09022015). Collection method: clinical testing. Allele origin: germline.
Comment: In summary, the available evidence is currently insufficient to determine the role of this variant in disease. Therefore, it has been classified as a Variant of Uncertain Significance. Algorithms developed to predict the effect of missense changes on protein structure and function are either unavailable or do not agree on the potential impact of this missense change (SIFT: "Deleterious"; PolyPhen-2: "Benign"; Align-GVGD: "Class C65"). This variant has not been reported in the literature in individuals affected with USH2A-related conditions. This variant is not present in population databases (gnomAD no frequency). This sequence change replaces threonine, which is neutral and polar, with isoleucine, which is neutral and non-polar, at codon 2086 of the USH2A protein (p.Thr2086Ile).